The following is an entry in ClinVar:

ClinVar aggregate classification (germline): Uncertain significance (1 of 4 stars; one submission).

Conditions:
Familial hypobetalipoproteinemia 1. Also called: APOB-Related Familial Hypobetalipoproteinemia; Hypobetalipoproteinemia, normotriglyceridemic; Acanthocytosis with hypobetalipoproteinemia. Identifiers: MedGen C4551990, MONDO:0014252, OMIM 615558.
Hypercholesterolemia, autosomal dominant, type B (FHCL2). Also called: APOLIPOPROTEIN B-100, FAMILIAL DEFECTIVE; APOLIPOPROTEIN B-100, FAMILIAL LIGAND-DEFECTIVE; HYPERCHOLESTEROLEMIA, FAMILIAL, DUE TO LIGAND-DEFECTIVE APOLIPOPROTEIN B; Hyperlipoproteinemia Type IIb; Familial hypercholesterolemia 2; Familial Hypercholesterolemia Type B. Identifiers: MedGen C1704417, MONDO:0007751, OMIM 144010.

Submission:

Labcorp Genetics (formerly Invitae), Labcorp
Classification: Uncertain significance for Familial hypobetalipoproteinemia 1; Hypercholesterolemia, autosomal dominant, type B. Last evaluated: 2025-12-15. Review status: criteria provided, single submitter. Criteria: Invitae Variant Classification Sherloc (09022015). Collection method: clinical testing. Allele origin: germline.
Comment: This sequence change replaces alanine, which is neutral and non-polar, with threonine, which is neutral and polar, at codon 2163 of the APOB protein (p.Ala2163Thr). This variant is not present in population databases (gnomAD no frequency). This variant has not been reported in the literature in individuals affected with APOB-related conditions. ClinVar contains an entry for this variant (Variation ID: 1025975). Invitae Evidence Modeling of protein sequence and biophysical properties (such as structural, functional, and spatial information, amino acid conservation, physicochemical variation, residue mobility, and thermodynamic stability) indicates that this missense variant is not expected to disrupt APOB protein function with a negative predictive value of 95%. In summary, the available evidence is currently insufficient to determine the role of this variant in disease. Therefore, it has been classified as a Variant of Uncertain Significance.

NM_000384.3(APOB):c.6487G>A (p.Ala2163Thr)

Gene: APOB (apolipoprotein B; minus strand). Cytogenetic location: 2p24.1.
Variant type: single nucleotide variant.
Coding change: c.6487G>A on transcript NM_000384.3 (MANE Select); coding-DNA position 6487, G replaced by A.
Protein change: p.Ala2163Thr; replaces alanine 2163 with threonine.
Molecular consequence: missense variant.
Genome position (GRCh38, 1-based): chr2:21,010,381, C>T on the plus strand (G>A on the coding strand, the complement: APOB is on the minus strand). VCF-style: chr2-21010381-C-T. GRCh37 (hg19) VCF-style: chr2-21233253-C-T.
Other names: short protein forms A2163T.
Identifiers: ClinVar variation 1025975 (VCV001025975.11), dbSNP rs1663274522, ClinGen allele CA346001653.